The following is an entry in ClinVar:

ClinVar aggregate classification (germline): Uncertain significance (1 of 4 stars; one submission).

Submission:

Labcorp Genetics (formerly Invitae), Labcorp
Classification: Uncertain significance. Last evaluated: 2025-03-18. Review status: criteria provided, single submitter. Criteria: Invitae Variant Classification Sherloc (09022015). Collection method: clinical testing. Allele origin: germline.
Comment: This sequence change replaces arginine, which is basic and polar, with serine, which is neutral and polar, at codon 570 of the CAPN5 protein (p.Arg570Ser). This variant is not present in population databases (gnomAD no frequency). This variant has not been reported in the literature in individuals affected with CAPN5-related conditions. An algorithm developed to predict the effect of missense changes on protein structure and function (PolyPhen-2) suggests that this variant is likely to be disruptive. In summary, the available evidence is currently insufficient to determine the role of this variant in disease. Therefore, it has been classified as a Variant of Uncertain Significance.

NM_004055.5(CAPN5):c.1708C>A (p.Arg570Ser)

Gene: CAPN5 (calpain 5; plus strand). Cytogenetic location: 11q13.5.
Variant type: single nucleotide variant.
Coding change: c.1708C>A on transcript NM_004055.5 (MANE Select); coding-DNA position 1708, C replaced by A.
Protein change: p.Arg570Ser; replaces arginine 570 with serine.
Molecular consequence: missense variant. On other transcripts: non-coding transcript variant (1).
Genome position (GRCh38, 1-based): chr11:77,122,680, C>A. VCF-style: chr11-77122680-C-A. GRCh37 (hg19) VCF-style: chr11-76833726-C-A.
Other names: c.1828C>A, p.Arg610Ser (NM_001425321.1); c.1708C>A, p.Arg570Ser (NM_001425322.1); c.1576C>A, p.Arg526Ser (NM_001425323.1); short protein forms R526S, R570S, R610S.
Identifiers: ClinVar variation 3699491 (VCV003699491.2).